The following is an entry in ClinVar:

ClinVar aggregate classification (germline): Uncertain significance (1 of 4 stars; one submission).

Allele frequency attached by ClinVar (database versions not stated): gnomAD 0.00001; gnomAD exomes 0.00001 and 0.00002; ExAC 0.00002.
gnomAD v4.1: 21 of 1,613,874 alleles (0.0013%); highest among the groups gnomAD compares: East Asian, 0.0022%; no homozygotes.

Submission:

Labcorp Genetics (formerly Invitae), Labcorp
Classification: Uncertain significance. Last evaluated: 2025-09-02. Review status: criteria provided, single submitter. Criteria: Invitae Variant Classification Sherloc (09022015). Collection method: clinical testing. Allele origin: germline.
Comment: This sequence change replaces alanine, which is neutral and non-polar, with threonine, which is neutral and polar, at codon 29 of the KIAA1161 protein (p.Ala29Thr). This variant is present in population databases (rs745662864, gnomAD 0.005%). This variant has not been reported in the literature in individuals affected with KIAA1161-related conditions. ClinVar contains an entry for this variant (Variation ID: 1681330). An algorithm developed to predict the effect of missense changes on protein structure and function outputs the following: PolyPhen-2: "Not Available". The threonine amino acid residue is found in multiple mammalian species, which suggests that this missense change does not adversely affect protein function. In summary, the available evidence is currently insufficient to determine the role of this variant in disease. Therefore, it has been classified as a Variant of Uncertain Significance.

NM_020702.5(MYORG):c.85G>A (p.Ala29Thr)

Gene: MYORG (myogenesis regulating glycosidase; minus strand). Cytogenetic location: 9p13.3.
Variant type: single nucleotide variant.
Coding change: c.85G>A on transcript NM_020702.5 (MANE Select); coding-DNA position 85, G replaced by A.
Protein change: p.Ala29Thr; replaces alanine 29 with threonine.
Molecular consequence: missense variant.
Genome position (GRCh38, 1-based): chr9:34,372,859, C>T on the plus strand (G>A on the coding strand, the complement: MYORG is on the minus strand). VCF-style: chr9-34372859-C-T. GRCh37 (hg19) VCF-style: chr9-34372857-C-T.
Other names: short protein forms A29T.
Identifiers: ClinVar variation 1681330 (VCV001681330.8), dbSNP rs745662864, ClinGen allele CA5033248.